The following is an entry in ClinVar:

ClinVar aggregate classification (germline): Uncertain significance (1 of 4 stars; one submission).

Conditions:
Hereditary cancer-predisposing syndrome. Also called: Neoplastic Syndromes, Hereditary; Tumor predisposition; Hereditary Cancer Syndrome; Hereditary neoplastic syndrome. Identifiers: Orphanet 140162, MedGen C0027672, MeSH D009386, MONDO:0015356.

Submission:

Ambry Genetics
Classification: Uncertain significance for Hereditary cancer-predisposing syndrome. Last evaluated: 2016-10-27. Review status: criteria provided, single submitter. Criteria: Ambry Variant Classification Scheme 2023. Collection method: clinical testing. Allele origin: germline.
Comment: The p.S29G variant (also known as c.85A>G), located in coding exon 1 of the RAD50 gene, results from an A to G substitution at nucleotide position 85. The serine at codon 29 is replaced by glycine, an amino acid with similar properties. This variant was not reported in population based cohorts in the following databases: Database of Single Nucleotide Polymorphisms (dbSNP), NHLBI Exome Sequencing Project (ESP), and 1000 Genomes Project. In the ESP, this variant was not observed in 6503 samples (13006 alleles) with coverage at this position. To date, this alteration has been detected with an allele frequency of approximately 0.001% (greater than 175000 alleles tested) in our clinical cohort. This amino acid position is not well conserved in available vertebrate species. In addition, this alteration is predicted to be tolerated by in silico analysis. Since supporting evidence is limited at this time, the clinical significance of this alteration remains unclear.

NM_005732.4(RAD50):c.85A>G (p.Ser29Gly)

Gene: RAD50 (RAD50 double strand break repair protein; plus strand). Cytogenetic location: 5q31.1.
Variant type: single nucleotide variant.
Coding change: c.85A>G on transcript NM_005732.4 (MANE Select); coding-DNA position 85, A replaced by G.
Protein change: p.Ser29Gly; replaces serine 29 with glycine.
Molecular consequence: missense variant.
Genome position (GRCh38, 1-based): chr5:132,557,409, A>G. VCF-style: chr5-132557409-A-G. GRCh37 (hg19) VCF-style: chr5-131893101-A-G.
Other names: short protein forms S29G.
Identifiers: ClinVar variation 482125 (VCV000482125.5), dbSNP rs1554096648, ClinGen allele CA360951523.